The following is an entry in ClinVar:

NM_000108.5(DLD):c.259C>T (p.Pro87Ser)

Gene: DLD (dihydrolipoamide dehydrogenase; plus strand). Cytogenetic location: 7q31.1.
Variant type: single nucleotide variant.
Coding change: c.259C>T on transcript NM_000108.5 (MANE Select); coding-DNA position 259, C replaced by T.
Protein change: p.Pro87Ser; replaces proline 87 with serine.
Molecular consequence: missense variant. On other transcripts: intron variant (2).
Genome position (GRCh38, 1-based): chr7:107,902,385, C>T. VCF-style: chr7-107902385-C-T. GRCh37 (hg19) VCF-style: chr7-107542830-C-T.
Other names: c.259C>T (NM_000108.4); c.259C>T, p.Pro87Ser (NM_001289752.1); c.198+568C>T (NM_001289751.1); c.-30-1093C>T (NM_001289750.1); short protein forms P87S.
Identifiers: ClinVar variation 3241338 (VCV003241338.2), dbSNP rs925493461.

ClinVar aggregate classification (germline): Likely pathogenic. Review status: criteria provided, multiple submitters, no conflicts (2 of 4 stars). 2 submissions from 2 submitters: Likely pathogenic (2). Last evaluated 2025-05-13.

Conditions:
Pyruvate dehydrogenase E3 deficiency (DLDD). Also called: Dihydrolipoamide Dehydrogenase (E3) Deficiency; DLD DEFICIENCY; E3 DEFICIENCY; Dihydrolipoamide Dehydrogenase E3 Deficiency; Dihydrolipoamide Dehydrogenase Deficiency; MAPLE SYRUP URINE DISEASE, TYPE III. Identifiers: Orphanet 2394, Orphanet 765, MedGen C5574660, MONDO:0009529, OMIM 246900.

Allele frequency attached by ClinVar (database versions not stated): gnomAD exomes below 0.00001; TOPMed below 0.00001.

Submissions (2):

Natera, Inc.
Classification: Likely pathogenic for Maple syrup urine disease type 3. Last evaluated: 2025-05-13. Review status: criteria provided, single submitter. Criteria: Natera Variant Classification Schema (03/2026). Collection method: clinical testing. Allele origin: germline.
Comment: The c.259C>T variant in DLD is a missense variant predicted to cause substitution of proline to serine at amino acid 87. This variant is rare in the general population with a frequency below the threshold expected for the associated phenotype(s). This variant has been observed in one or more individuals affected with the associated recessive disease, as either homozygous or compound heterozygous with a second variant (PMID: 33092611, 31683770). This variant has been identified in one or more affected individuals with a phenotype highly consistent with the associated gene (PMID: 33092611, 31683770). Computational prediction algorithms indicate this variant is likely to affect gene or protein function. Given the available evidence, this variant is classified as Likely Pathogenic.

Baylor Genetics
Classification: Likely pathogenic for Pyruvate dehydrogenase E3 deficiency. Last evaluated: 2024-02-22. Review status: criteria provided, single submitter. Criteria: ACMG Guidelines, 2015. Collection method: clinical testing. Allele origin: unknown.

Literature cited by the submitters: PubMed 33092611 (cited by Natera, Inc.); PubMed 31683770 (cited by Natera, Inc.).